The following is an entry in ClinVar:

NM_001079872.2(CUL4B):c.2139_2140del (p.Leu714fs)

Gene: CUL4B (cullin 4B; minus strand). Cytogenetic location: Xq24.
Variant type: Microsatellite.
Coding change: c.2139_2140del on transcript NM_001079872.2 (MANE Select); coding-DNA positions 2139 to 2140, 2 bases deleted (GT; older notation c.2139_2140delGT).
Protein change: p.Leu714fs; shifts the reading frame from leucine 714.
Molecular consequence: frameshift variant.
Genome position (GRCh38, 1-based): chrX:120,535,850-120,535,851, AC deleted on the plus strand (GT on the coding strand, the reverse complement: CUL4B is on the minus strand); deleting any 2 consecutive bases within chrX:120,535,850-120,535,856 gives the same sequence; the c. name uses the placement nearest the transcript's 3' end. VCF-style (leftmost placement, unchanged base first): chrX-120535849-AAC-A. GRCh37 (hg19) VCF-style: chrX-119669704-AAC-A.
Other names: c.2154_2155del, p.Leu719fs (NM_001330624.2); c.1605_1606del, p.Leu536fs (NM_001369145.1); c.2193_2194del, p.Leu732fs (NM_003588.4); short protein forms L536fs, L714fs, L719fs, L732fs.
Identifiers: ClinVar variation 987478 (VCV000987478.4), dbSNP rs1923640463, ClinGen allele CA658792583.

ClinVar aggregate classification (germline): Pathogenic. Review status: criteria provided, multiple submitters, no conflicts (2 of 4 stars). 2 submissions from 2 submitters: Pathogenic (2). Last evaluated 2022-04-22.

Submissions (2):

GeneDx
Classification: Pathogenic. Last evaluated: 2022-04-22. Review status: criteria provided, single submitter. Criteria: GeneDx Variant Classification Process June 2021. Collection method: clinical testing. Allele origin: germline. Affected: yes.
Comment: Frameshift variant predicted to result in protein truncation or nonsense mediated decay in a gene for which loss-of-function is a known mechanism of disease; Not observed in large population cohorts (gnomAD); This variant is associated with the following publications: (PMID: 32369273)

Institute of Medical Genetics and Applied Genomics, University Hospital Tübingen
Classification: Pathogenic. Last evaluated: 2020-10-23. Review status: criteria provided, single submitter. Criteria: ACMG Guidelines, 2015. Collection method: clinical testing. Allele origin: germline. Inheritance: Unknown mechanism. Affected: yes.